The following is an entry in ClinVar:

ClinVar aggregate classification (germline): Uncertain significance. Review status: criteria provided, multiple submitters, no conflicts (2 of 4 stars). 5 submissions from 5 submitters: Uncertain significance (5). Last evaluated 2026-08-04.

Conditions:
RYR1-related disorder. Also called: RYR1-related condition; RYR1-related disorders. Identifiers: MedGen CN239331.
Inborn genetic diseases. Identifiers: MedGen C0950123, MeSH D030342.
Malignant hyperthermia, susceptibility to, 1 (MHS1). Also called: RYR1-Related Malignant Hyperthermia Susceptibility; Anesthesia related hyperthermia; Malignant hyperpyrexia; Fulminating hyperpyrexia; Pharmacogenic myopathy; Malignant hyperthermia suceptibility 1. Identifiers: Orphanet 423, MedGen C2930980, MONDO:0007783, OMIM 145600.

Allele frequency attached by ClinVar (database versions not stated): TOPMed 0.00001; gnomAD exomes 0.00001; ExAC 0.00004.
gnomAD v4.1: 15 of 1,562,224 alleles (0.00096%); highest among the groups gnomAD compares: South Asian, 0.0035%; no homozygotes.

Submissions (5):

Ambry Genetics
Classification: Uncertain significance for Inborn genetic diseases. Last evaluated: 2026-08-04. Review status: criteria provided, single submitter. Criteria: Ambry Variant Classification Scheme 2023. Collection method: clinical testing. Allele origin: germline.

Color Diagnostics, LLC DBA Color Health
Classification: Uncertain significance for Malignant hyperthermia, susceptibility to, 1. Last evaluated: 2025-06-17. Review status: criteria provided, single submitter. Criteria: ACMG Guidelines, 2015. Collection method: clinical testing. Allele origin: germline.
Comment: This missense variant replaces proline with leucine at codon 1632 of the RYR1 protein. Computational prediction suggests that this variant may have deleterious impact on protein structure and function. To our knowledge, functional studies have not been reported for this variant. This variant has not been reported in individuals affected with RYR1-related disorders in the literature. This variant has been identified in 2/169454 chromosomes in the general population by the Genome Aggregation Database (gnomAD). The available evidence is insufficient to determine the role of this variant in disease conclusively. Therefore, this variant is classified as a Variant of Uncertain Significance.

Revvity Omics, Revvity
Classification: Uncertain significance. Last evaluated: 2025-05-02. Review status: criteria provided, single submitter. Criteria: ACMG Guidelines, 2015. Collection method: clinical testing. Allele origin: germline.

Labcorp Genetics (formerly Invitae), Labcorp
Classification: Uncertain significance for RYR1-related disorder. Last evaluated: 2025-02-28. Review status: criteria provided, single submitter. Criteria: Invitae Variant Classification Sherloc (09022015). Collection method: clinical testing. Allele origin: germline.
Comment: This sequence change replaces proline, which is neutral and non-polar, with leucine, which is neutral and non-polar, at codon 1632 of the RYR1 protein (p.Pro1632Leu). The frequency data for this variant in the population databases is considered unreliable, as metrics indicate poor data quality at this position in the gnomAD database. This variant has not been reported in the literature in individuals affected with RYR1-related conditions. ClinVar contains an entry for this variant (Variation ID: 1402905). Invitae Evidence Modeling of protein sequence and biophysical properties (such as structural, functional, and spatial information, amino acid conservation, physicochemical variation, residue mobility, and thermodynamic stability) indicates that this missense variant is expected to disrupt RYR1 protein function with a positive predictive value of 80%. In summary, the available evidence is currently insufficient to determine the role of this variant in disease. Therefore, it has been classified as a Variant of Uncertain Significance.

All of Us Research Program, National Institutes of Health
Classification: Uncertain significance for Malignant hyperthermia, susceptibility to, 1. Last evaluated: 2024-09-23. Review status: criteria provided, single submitter. Criteria: ACMG Guidelines, 2015. Collection method: clinical testing. Allele origin: germline. Inheritance: Autosomal dominant inheritance. Observed: 1 variant allele, 1 heterozygote.
Comment: This study involves interpretation of variants in research participants for the purpose of population health screening. Participant phenotype was not available at the time of variant classification. Additional details can be found in publication PMID: 35346344, PMCID: PMC8962531

NM_000540.3(RYR1):c.4895C>T (p.Pro1632Leu)

Gene: RYR1 (ryanodine receptor 1; plus strand). Cytogenetic location: 19q13.2.
Variant type: single nucleotide variant.
Coding change: c.4895C>T on transcript NM_000540.3 (MANE Select); coding-DNA position 4895, C replaced by T.
Protein change: p.Pro1632Leu; replaces proline 1632 with leucine.
Molecular consequence: missense variant.
Genome position (GRCh38, 1-based): chr19:38,483,477, C>T. VCF-style: chr19-38483477-C-T. GRCh37 (hg19) VCF-style: chr19-38974117-C-T.
Other names: c.4895C>T, p.Pro1632Leu (NM_001042723.2); c.4895C>T (NM_000540.2); short protein forms P1632L.
Identifiers: ClinVar variation 1402905 (VCV001402905.10), dbSNP rs773015838, ClinGen allele CA066497.